The following is an entry in ClinVar:

ClinVar aggregate classification (germline): Uncertain significance (1 of 4 stars; one submission).

gnomAD v4.1: 2 of 1,612,696 alleles (0.00012%); highest among the groups gnomAD compares: Non-Finnish European, 0.00017%; no homozygotes.

Submission:

Labcorp Genetics (formerly Invitae), Labcorp
Classification: Uncertain significance. Last evaluated: 2024-10-07. Review status: criteria provided, single submitter. Criteria: Invitae Variant Classification Sherloc (09022015). Collection method: clinical testing. Allele origin: germline.
Comment: This sequence change replaces proline, which is neutral and non-polar, with leucine, which is neutral and non-polar, at codon 384 of the CEACAM16 protein (p.Pro384Leu). This variant is not present in population databases (gnomAD no frequency). This variant has not been reported in the literature in individuals affected with CEACAM16-related conditions. An algorithm developed to predict the effect of missense changes on protein structure and function (PolyPhen-2) suggests that this variant is likely to be disruptive. In summary, the available evidence is currently insufficient to determine the role of this variant in disease. Therefore, it has been classified as a Variant of Uncertain Significance.

NM_001039213.4(CEACAM16):c.1151C>T (p.Pro384Leu)

Genes: CEACAM16 (CEA cell adhesion molecule 16, tectorial membrane component; plus strand), CEACAM16-AS1 (CEACAM16, CEACAM19 and PVR antisense RNA 1; minus strand). Cytogenetic location: 19q13.32.
Variant type: single nucleotide variant.
Coding change: c.1151C>T on transcript NM_001039213.4 (MANE Select); coding-DNA position 1151, C replaced by T.
Protein change: p.Pro384Leu; replaces proline 384 with leucine.
Molecular consequence: missense variant.
Genome position (GRCh38, 1-based): chr19:44,708,071, C>T. VCF-style: chr19-44708071-C-T. GRCh37 (hg19) VCF-style: chr19-45211343-C-T.
Other names: short protein forms P384L.
Identifiers: ClinVar variation 3689211 (VCV003689211.2).